The following is an entry in ClinVar:

NM_002139.4(RBMX):c.166T>C (p.Phe56Leu)

Gene: RBMX (RNA binding motif protein X-linked; minus strand). Cytogenetic location: Xq26.3.
Variant type: single nucleotide variant.
Coding change: c.166T>C on transcript NM_002139.4 (MANE Select); coding-DNA position 166, T replaced by C.
Protein change: p.Phe56Leu; replaces phenylalanine 56 with leucine.
Molecular consequence: missense variant. On other transcripts: non-coding transcript variant (2).
Genome position (GRCh38, 1-based): chrX:136,879,067, A>G on the plus strand (T>C on the coding strand, the complement: RBMX is on the minus strand). VCF-style: chrX-136879067-A-G. GRCh37 (hg19) VCF-style: chrX-135961226-A-G.
Other names: c.166T>C, p.Phe56Leu (NM_001164803.2); short protein forms F56L.
Identifiers: ClinVar variation 4813204 (VCV004813204.1).

ClinVar aggregate classification (germline): Likely pathogenic (1 of 4 stars; one submission).

Conditions:
RBMX-related disorder. Also called: RBMX-related condition.

Submission:

Institute for Human Genetics, University Hospital Essen
Classification: Likely pathogenic for RBMX related disorder. Last evaluated: 2026-02-26. Review status: criteria provided, single submitter. Criteria: ACMG Guidelines, 2015. Collection method: clinical testing. Allele origin: de novo. Inheritance: X-linked inheritance. Affected: yes. Observed: 1 variant allele, 1 hemizygote.
Comment: PS2, PS3_mod, PM2_mod